The following is an entry in ClinVar:

NM_001003787.4(STRADA):c.223A>G (p.Ile75Val)

Gene: STRADA (STE20 related adaptor alpha; minus strand). Cytogenetic location: 17q23.3.
Variant type: single nucleotide variant.
Coding change: c.223A>G on transcript NM_001003787.4 (MANE Select); coding-DNA position 223, A replaced by G.
Protein change: p.Ile75Val; replaces isoleucine 75 with valine.
Molecular consequence: missense variant. On other transcripts: non-coding transcript variant (1), intron variant (1).
Genome position (GRCh38, 1-based): chr17:63,714,009, T>C on the plus strand (A>G on the coding strand, the complement: STRADA is on the minus strand). VCF-style: chr17-63714009-T-C. GRCh37 (hg19) VCF-style: chr17-61791369-T-C.
Other names: c.112A>G, p.Ile38Val (NM_001003786.3, NM_001363789.1, NM_153335.6); c.49A>G, p.Ile17Val (NM_001003788.3, NM_001363790.1, NM_001363791.1); c.136A>G, p.Ile46Val (NM_001165969.2, NM_001363787.1); c.199A>G, p.Ile67Val (NM_001363786.1); c.223A>G, p.Ile75Val (NM_001363788.1); c.95-482A>G (NM_001165970.2); short protein forms I17V, I46V, I75V, I38V, I67V.
Identifiers: ClinVar variation 1384378 (VCV001384378.8), dbSNP rs2036682142, ClinGen allele CA400594030.

ClinVar aggregate classification (germline): Uncertain significance (1 of 4 stars; one submission).

Conditions:
Polyhydramnios, megalencephaly, and symptomatic epilepsy (PMSE). Also called: PMSE SYNDROME. Identifiers: Orphanet 500533, MedGen C1970203, MONDO:0012611, OMIM 611087.

Allele frequency attached by ClinVar (database versions not stated): TOPMed below 0.00001; gnomAD exomes 0.00001.
gnomAD v4.1: 3 of 1,613,496 alleles (0.00019%); highest among the groups gnomAD compares: Non-Finnish European, 0.00025%; no homozygotes.

Submission:

Labcorp Genetics (formerly Invitae), Labcorp
Classification: Uncertain significance for Polyhydramnios, megalencephaly, and symptomatic epilepsy. Last evaluated: 2025-08-15. Review status: criteria provided, single submitter. Criteria: Invitae Variant Classification Sherloc (09022015). Collection method: clinical testing. Allele origin: germline.
Comment: This sequence change replaces isoleucine, which is neutral and non-polar, with valine, which is neutral and non-polar, at codon 75 of the STRADA protein (p.Ile75Val). This variant is not present in population databases (gnomAD no frequency). This variant has not been reported in the literature in individuals affected with STRADA-related conditions. ClinVar contains an entry for this variant (Variation ID: 1384378). An algorithm developed to predict the effect of missense changes on protein structure and function (PolyPhen-2) suggests that this variant is likely to be tolerated. Algorithms developed to predict the effect of sequence changes on RNA splicing suggest that this variant may disrupt the consensus splice site. In summary, the available evidence is currently insufficient to determine the role of this variant in disease. Therefore, it has been classified as a Variant of Uncertain Significance.